The following is an entry in ClinVar:

ClinVar aggregate classification (germline): Uncertain significance (1 of 4 stars; one submission).

Allele frequency attached by ClinVar (database versions not stated): gnomAD exomes below 0.00001.
gnomAD v4.1: 4 of 1,612,850 alleles (0.00025%); highest among the groups gnomAD compares: African/African-American, 0.0027%; no homozygotes.

Submission:

GeneDx
Classification: Uncertain significance. Last evaluated: 2022-11-21. Review status: criteria provided, single submitter. Criteria: GeneDx Variant Classification Process June 2021. Collection method: clinical testing. Allele origin: germline. Affected: yes.
Comment: Not observed at significant frequency in large population cohorts (gnomAD); In silico analysis supports that this missense variant does not alter protein structure/function; Has not been previously published as pathogenic or benign to our knowledge

NM_001170629.2(CHD8):c.6742G>A (p.Glu2248Lys)

Gene: CHD8 (chromodomain helicase DNA binding protein 8; minus strand). Cytogenetic location: 14q11.2.
Variant type: single nucleotide variant.
Coding change: c.6742G>A on transcript NM_001170629.2 (MANE Select); coding-DNA position 6742, G replaced by A.
Protein change: p.Glu2248Lys; replaces glutamic acid 2248 with lysine.
Molecular consequence: missense variant.
Genome position (GRCh38, 1-based): chr14:21,392,536, C>T on the plus strand (G>A on the coding strand, the complement: CHD8 is on the minus strand). VCF-style: chr14-21392536-C-T. GRCh37 (hg19) VCF-style: chr14-21860695-C-T.
Other names: c.5905G>A, p.Glu1969Lys (NM_020920.4); short protein forms E1969K, E2248K.
Identifiers: ClinVar variation 2502560 (VCV002502560.1), dbSNP rs1555313018, ClinGen allele CA388878249.
Genomic context (GRCh38, chr14:21,392,536, plus strand): 5'-CCACTTCCCAATGCCCAAATGCTGAGCTTACATCTTTGATTTGAACTGTAAACTCCTTTT[C>T]ATCCATGCCTCGGCGAAGTTTGGTGAACTGGGCTGCCGCTGTGCTGACTGCAGATGCTTC-3'
Protein context (NP_001164100.1, residues 2238-2258): QFTKLRRGMD[Glu2248Lys]KEFTVQIKDE